The following is an entry in ClinVar:

NM_006393.3(NEBL):c.1687G>A (p.Glu563Lys)

Gene: NEBL (nebulette; minus strand). Cytogenetic location: 10p12.31.
Variant type: single nucleotide variant.
Coding change: c.1687G>A on transcript NM_006393.3 (MANE Select); coding-DNA position 1687, G replaced by A.
Protein change: p.Glu563Lys; replaces glutamic acid 563 with lysine.
Molecular consequence: missense variant. On other transcripts: intron variant (9).
Genome position (GRCh38, 1-based): chr10:20,828,619, C>T on the plus strand (G>A on the coding strand, the complement: NEBL is on the minus strand). VCF-style: chr10-20828619-C-T. GRCh37 (hg19) VCF-style: chr10-21117548-C-T.
Other names: c.250-15679G>A (NM_001377326.1, NM_001377327.1, NM_001377328.1); c.358-15679G>A (NM_213569.2, NM_001173484.2, NM_001377322.1); c.301-15679G>A (NM_001377324.1); c.292-15679G>A (NM_001377325.1); c.310-15679G>A (NM_001377323.1); short protein forms E563K.
Identifiers: ClinVar variation 3655708 (VCV003655708.3).

ClinVar aggregate classification (germline): Uncertain significance. Review status: criteria provided, multiple submitters, no conflicts (2 of 4 stars). 2 submissions from 2 submitters: Uncertain significance (2). Last evaluated 2025-10-21.

Conditions:
Primary dilated cardiomyopathy (DCM). Also called: Dilated Cardiomyopathy. Identifiers: Orphanet 217604, MedGen C0007193, MeSH D002311, MONDO:0005021, HP:0001644. Inheritance: Various modes of inheritance.

gnomAD v4.1: 1 of 1,569,010 alleles (0.000064%); highest among the groups gnomAD compares: African/African-American, 0.0014%; no homozygotes.

Submissions (2):

Labcorp Genetics (formerly Invitae), Labcorp
Classification: Uncertain significance for Primary dilated cardiomyopathy. Last evaluated: 2025-10-21. Review status: criteria provided, single submitter. Criteria: Invitae Variant Classification Sherloc (09022015). Collection method: clinical testing. Allele origin: germline.
Comment: This sequence change replaces glutamic acid, which is acidic and polar, with lysine, which is basic and polar, at codon 563 of the NEBL protein (p.Glu563Lys). This variant is not present in population databases (gnomAD no frequency). This variant has not been reported in the literature in individuals affected with NEBL-related conditions. ClinVar contains an entry for this variant (Variation ID: 3655708). An algorithm developed to predict the effect of missense changes on protein structure and function (PolyPhen-2) suggests that this variant is likely to be disruptive. In summary, the available evidence is currently insufficient to determine the role of this variant in disease. Therefore, it has been classified as a Variant of Uncertain Significance.

Ambry Genetics
Classification: Uncertain significance. Last evaluated: 2025-08-28. Review status: criteria provided, single submitter. Criteria: Ambry Variant Classification Scheme 2023. Collection method: clinical testing. Allele origin: germline.
Comment: The p.E563K variant (also known as c.1687G>A), located in coding exon 17 of the NEBL gene, results from a G to A substitution at nucleotide position 1687. The glutamic acid at codon 563 is replaced by lysine, an amino acid with similar properties. This amino acid position is conserved. In addition, this alteration is predicted to be tolerated by in silico analysis. Based on the available evidence, the clinical significance of this variant remains unclear.